The following is an entry in ClinVar:

ClinVar aggregate classification (germline): Uncertain significance (1 of 4 stars; one submission).

Conditions:
Retinoblastoma (RB1). Also called: RETINOBLASTOMA, SOMATIC. Identifiers: Orphanet 790, MedGen C0035335, MeSH D012175, MONDO:0008380, OMIM 180200, HP:0009919. Disease mechanism: loss of function. Inheritance: Both sporadic and heritable forms are tested..

Submission:

Labcorp Genetics (formerly Invitae), Labcorp
Classification: Uncertain significance for Retinoblastoma. Last evaluated: 2026-01-26. Review status: criteria provided, single submitter. Criteria: Invitae Variant Classification Sherloc (09022015). Collection method: clinical testing. Allele origin: germline.
Comment: This sequence change replaces cysteine, which is neutral and slightly polar, with leucine, which is neutral and non-polar, at codon 61 of the RB1 protein (p.Cys61Leu). Information on the frequency of this variant in the gnomAD database is not available, as this variant may be reported differently in the database. This variant has not been reported in the literature in individuals affected with RB1-related conditions. An algorithm developed to predict the effect of missense changes on protein structure and function (PolyPhen-2) suggests that this variant is likely to be disruptive. In summary, the available evidence is currently insufficient to determine the role of this variant in disease. Therefore, it has been classified as a Variant of Uncertain Significance.

NM_000321.3(RB1):c.182_183delinsTG (p.Cys61Leu)

Gene: RB1 (RB transcriptional corepressor 1; plus strand). Cytogenetic location: 13q14.2.
Variant type: Indel.
Coding change: c.182_183delinsTG on transcript NM_000321.3 (MANE Select); coding-DNA positions 182 to 183, GT replaced by TG.
Protein change: p.Cys61Leu; replaces cysteine 61 with leucine.
Molecular consequence: missense variant.
Genome position (GRCh38, 1-based): chr13:48,307,324-48,307,325, GT replaced by TG. VCF-style: chr13-48307324-GT-TG. GRCh37 (hg19) VCF-style: chr13-48881460-GT-TG.
Other names: c.182_183delinsTG, p.Cys61Leu (NM_001407165.1, NM_001407166.1, NM_001407167.1); short protein forms C61L.
Identifiers: ClinVar variation 4736215 (VCV004736215.1).
Genomic context (GRCh38, chr13:48,307,324, plus strand): 5'-TATTTTCATTTGGTAGGCTTGAGTTTGAAGAAACAGAAGAACCTGATTTTACTGCATTAT[GT>TG]CAGAAATTAAAGATACCAGATCATGTCAGAGAGAGAGCTTGGTTAACTTGGGAGAAAGTT-3'
Protein context (NP_000312.2, residues 51-71): ETEEPDFTAL[Cys61Leu]QKLKIPDHVR